The following is an entry in ClinVar:

ClinVar aggregate classification (germline): Pathogenic (1 of 4 stars; one submission).

Conditions:
Dyskeratosis congenita, autosomal recessive 5 (DKCB5). Identifiers: MedGen C3554656, MONDO:0014076, OMIM 615190.
Pulmonary fibrosis and/or bone marrow failure, Telomere-related, 3. Also called: PULMONARY FIBROSIS AND/OR BONE MARROW FAILURE SYNDROME, TELOMERE-RELATED, 3. Identifiers: Orphanet 2032, MedGen C4225346, MONDO:0014613, OMIM 616373.

Submission:

Labcorp Genetics (formerly Invitae), Labcorp
Classification: Pathogenic for Dyskeratosis congenita, autosomal recessive 5; Pulmonary fibrosis and/or bone marrow failure, Telomere-related, 3. Last evaluated: 2018-09-17. Review status: criteria provided, single submitter. Criteria: Invitae Variant Classification Sherloc (09022015). Collection method: clinical testing. Allele origin: germline.
Comment: This sequence change creates a premature translational stop signal (p.Leu358Glnfs*12) in the RTEL1 gene. It is expected to result in an absent or disrupted protein product. This variant is not present in population databases (ExAC no frequency). This variant has not been reported in the literature in individuals with RTEL1-related disease. Loss-of-function variants in RTEL1 are known to be pathogenic (PMID: 23453664, 23959892, 25607374). For these reasons, this variant has been classified as Pathogenic.

Literature cited by the submitters: PubMed 23453664; PubMed 23959892; PubMed 25607374.

NM_001283009.2(RTEL1):c.1001_1014del (p.Leu334fs)

Genes: RTEL1 (regulator of telomere elongation helicase 1; plus strand), RTEL1-TNFRSF6B (RTEL1-TNFRSF6B readthrough (NMD candidate); plus strand). Cytogenetic location: 20q13.33.
Variant type: Deletion.
Coding change: c.1001_1014del on transcript NM_001283009.2 (MANE Select); coding-DNA positions 1001 to 1014, 14 bases deleted (TGCCTGGAGACGAC).
Protein change: p.Leu334fs; shifts the reading frame from leucine 334.
Molecular consequence: frameshift variant. On other transcripts: non-coding transcript variant (1).
Genome position (GRCh38, 1-based): chr20:63,678,310-63,678,323, TGCCTGGAGACGAC deleted; deleting any 14 consecutive bases within chr20:63,678,309-63,678,323 gives the same sequence; the c. name uses the placement nearest the transcript's 3' end. VCF-style (leftmost placement, unchanged base first): chr20-63678308-GCTGCCTGGAGACGA-G. GRCh37 (hg19) VCF-style: chr20-62309661-GCTGCCTGGAGACGA-G.
Other names: c.332_345del, p.Leu111fs (NM_001283010.1); c.1001_1014del, p.Leu334fs (NM_016434.4); c.1073_1086del, p.Leu358fs (NM_032957.5); c.1073_1086delTGCCTGGAGACGAC (NM_032957.4); short protein forms L111fs, L334fs, L358fs.
Identifiers: ClinVar variation 665122 (VCV000665122.7), dbSNP rs1601133145, ClinGen allele CA915952581.